The following is an entry in ClinVar:

ClinVar aggregate classification (germline): Uncertain significance (1 of 4 stars; one submission).

Allele frequency attached by ClinVar (database versions not stated): gnomAD exomes below 0.00001; TOPMed below 0.00001; ExAC 0.00001.
gnomAD v4.1: 6 of 1,614,184 alleles (0.00037%); highest among the groups gnomAD compares: Non-Finnish European, 0.00042%; no homozygotes.

Submission:

Labcorp Genetics (formerly Invitae), Labcorp
Classification: Uncertain significance. Last evaluated: 2022-05-18. Review status: criteria provided, single submitter. Criteria: Invitae Variant Classification Sherloc (09022015). Collection method: clinical testing. Allele origin: germline.
Comment: This sequence change replaces arginine, which is basic and polar, with glutamine, which is neutral and polar, at codon 800 of the CDK5RAP2 protein (p.Arg800Gln). This variant is present in population databases (rs756981126, gnomAD 0.002%). This variant has not been reported in the literature in individuals affected with CDK5RAP2-related conditions. Algorithms developed to predict the effect of missense changes on protein structure and function output the following: SIFT: "Tolerated"; PolyPhen-2: "Possibly Damaging"; Align-GVGD: "Class C0". The glutamine amino acid residue is found in multiple mammalian species, which suggests that this missense change does not adversely affect protein function. In summary, the available evidence is currently insufficient to determine the role of this variant in disease. Therefore, it has been classified as a Variant of Uncertain Significance.

NM_018249.6(CDK5RAP2):c.2399G>A (p.Arg800Gln)

Gene: CDK5RAP2 (CDK5 regulatory subunit associated protein 2; minus strand). Cytogenetic location: 9q33.2.
Variant type: single nucleotide variant.
Coding change: c.2399G>A on transcript NM_018249.6 (MANE Select); coding-DNA position 2399, G replaced by A.
Protein change: p.Arg800Gln; replaces arginine 800 with glutamine.
Molecular consequence: missense variant. On other transcripts: non-coding transcript variant (5), intron variant (1).
Genome position (GRCh38, 1-based): chr9:120,453,850, C>T on the plus strand (G>A on the coding strand, the complement: CDK5RAP2 is on the minus strand). VCF-style: chr9-120453850-C-T. GRCh37 (hg19) VCF-style: chr9-123216128-C-T.
Other names: c.2399G>A, p.Arg800Gln (NM_001011649.3); c.2300G>A, p.Arg767Gln (NM_001410992.1); c.2303G>A, p.Arg768Gln (NM_001410993.1); c.2396G>A, p.Arg799Gln (NM_001410994.1); c.2104-5724G>A (NM_001272039.2); short protein forms R799Q, R800Q, R767Q, R768Q.
Identifiers: ClinVar variation 2181508 (VCV002181508.1), dbSNP rs756981126, ClinGen allele CA5214072.
Genomic context (GRCh38, chr9:120,453,850, plus strand): 5'-TCAAGGTGTTCTCCAGAAACTTCCTGCTCTGTCAAGAATAGTTGTCCCAGAAGCAGTTCC[C>T]GTACCACTTTCAGAAGGTCTGGCCTGTTTTTCCAAAAGGGAAGGAAGTGGGAGAACCAAG-3'
Protein context (NP_060719.4, residues 790-810): ESRPDLLKVV[Arg800Gln]ELLLGQLFLT